The following is an entry in ClinVar:

ClinVar aggregate classification (germline): Pathogenic (1 of 4 stars; one submission).

Conditions:
Developmental and epileptic encephalopathy, 12 (DEE12). Identifiers: MedGen C3150988, MONDO:0013389, OMIM 613722.

Submission:

Labcorp Genetics (formerly Invitae), Labcorp
Classification: Pathogenic for Developmental and epileptic encephalopathy, 12. Last evaluated: 2019-10-08. Review status: criteria provided, single submitter. Criteria: Invitae Variant Classification Sherloc (09022015). Collection method: clinical testing. Allele origin: germline.
Comment: This variant has not been reported in the literature in individuals with PNKP-related conditions. This variant is not present in population databases (ExAC no frequency). This sequence change creates a premature translational stop signal (p.Glu356Leufs*62) in the PNKP gene. It is expected to result in an absent or disrupted protein product. Algorithms developed to predict the effect of sequence changes on RNA splicing suggest that this variant may create or strengthen a splice site, but this prediction has not been confirmed by published transcriptional studies. For these reasons, this variant has been classified as Pathogenic. Loss-of-function variants in PNKP are known to be pathogenic (PMID: 20118933, 25728773).

Literature cited by the submitters: PubMed 20118933; PubMed 25728773.

NM_007254.4(PNKP):c.1044_1065dup (p.Glu356fs)

Gene: PNKP (polynucleotide kinase 3'-phosphatase; minus strand). Cytogenetic location: 19q13.33.
Variant type: Duplication.
Coding change: c.1044_1065dup on transcript NM_007254.4 (MANE Select); coding-DNA positions 1044 to 1065, 22 bases duplicated (CTCAGGGCCTCTCTGCCTCCCC).
Protein change: p.Glu356fs; shifts the reading frame from glutamic acid 356.
Molecular consequence: frameshift variant.
Genome position (GRCh38, 1-based): chr19:49,862,246-49,862,267, GGGGAGGCAGAGAGGCCCTGAG duplicated on the plus strand (CTCAGGGCCTCTCTGCCTCCCC on the coding strand, the reverse complement: PNKP is on the minus strand). VCF-style (leftmost placement, unchanged base first): chr19-49862245-C-CGGGGAGGCAGAGAGGCCCTGAG. GRCh37 (hg19) VCF-style: chr19-50365502-C-CGGGGAGGCAGAGAGGCCCTGAG.
Other names: short protein forms E356fs.
Identifiers: ClinVar variation 966033 (VCV000966033.8), dbSNP rs2074777487, ClinGen allele CA1139666543.